The following is an entry in ClinVar:

NM_023036.6(DNAI2):c.1448_1449del (p.Pro483fs)

Gene: DNAI2 (dynein axonemal intermediate chain 2; plus strand). Cytogenetic location: 17q25.1.
Variant type: Deletion.
Coding change: c.1448_1449del on transcript NM_023036.6 (MANE Select); coding-DNA positions 1448 to 1449, 2 bases deleted (CT; older notation c.1448_1449delCT).
Protein change: p.Pro483fs; shifts the reading frame from proline 483.
Molecular consequence: frameshift variant. On other transcripts: non-coding transcript variant (1).
Genome position (GRCh38, 1-based): chr17:74,310,117-74,310,118, CT deleted. VCF-style (leftmost placement, unchanged base first): chr17-74310116-CCT-C. GRCh37 (hg19) VCF-style: chr17-72306255-CCT-C.
Other names: c.1412_1413del, p.Pro471fs (NM_001172810.3); c.1448_1449del, p.Pro483fs (NM_001353167.2); short protein forms P471fs, P483fs.
Identifiers: ClinVar variation 5012541 (VCV005012541.1).

ClinVar aggregate classification (germline): Pathogenic (1 of 4 stars; one submission).

Conditions:
Primary ciliary dyskinesia 9. Also called: CILIARY DYSKINESIA, PRIMARY, 9, WITH OR WITHOUT SITUS INVERSUS. Identifiers: Orphanet 244, MedGen C2676235, MONDO:0012906, OMIM 612444.

Submission:

Myriad Genetics, Inc.
Classification: Pathogenic for Primary ciliary dyskinesia 9. Last evaluated: 2024-05-14. Review status: criteria provided, single submitter. Criteria: Myriad Autosomal Dominant, Autosomal Recessive and X-Linked Classification Criteria (2023). Collection method: clinical testing. Allele origin: unknown.
Comment: NM_023036.4(DNAI2):c.1448_1449delCT(P483Rfs*9) is expected to be pathogenic in the context of primary ciliary dyskinesia, DNAI2-related. This variant is predicted to lead to an abnormal or absent protein product due to the creation of a premature termination codon in DNAI2, a gene where loss-of-function variants are known to be pathogenic. Please note: this variant was assessed in the context of healthy population screening.